The following is an entry in ClinVar:

NM_001458.5(FLNC):c.6997+1G>A

Genes: FLNC (filamin C; plus strand), FLNC-AS1 (FLNC antisense RNA 1; minus strand). Cytogenetic location: 7q32.1.
Variant type: single nucleotide variant.
Coding change: c.6997+1G>A on transcript NM_001458.5 (MANE Select); the canonical splice donor site of the intron after coding-DNA position 6997, G replaced by A.
Molecular consequence: splice donor variant.
Genome position (GRCh38, 1-based): chr7:128,854,683, G>A. VCF-style: chr7-128854683-G-A. GRCh37 (hg19) VCF-style: chr7-128494737-G-A.
Other names: c.6898+1G>A (NM_001127487.2).
Identifiers: ClinVar variation 2934188 (VCV002934188.3), dbSNP rs1585169973, ClinGen allele CA369214445.

ClinVar aggregate classification (germline): Likely pathogenic (1 of 4 stars; one submission).

Conditions:
Myofibrillar myopathy 5. Also called: Filaminopathy (type); FILAMINOPATHY, AUTOSOMAL DOMINANT. Identifiers: Orphanet 171445, MedGen C1836050, MONDO:0012289, OMIM 609524.
Distal myopathy with posterior leg and anterior hand involvement. Also called: WILLIAMS DISTAL MYOPATHY. Identifiers: Orphanet 63273, MedGen C3279722, MONDO:0013550, OMIM 614065.
Hypertrophic cardiomyopathy 26. Also called: Cardiomyopathy, familial hypertrophic, 26. Identifiers: Orphanet 75249, MedGen C4310749, MONDO:0014883, OMIM 617047.

Allele frequency attached by ClinVar (database versions not stated): gnomAD exomes below 0.00001.
gnomAD v4.1: 1 of 1,612,578 alleles (0.000062%); highest among the groups gnomAD compares: Non-Finnish European, 0.000085%; no homozygotes.

Submission:

Labcorp Genetics (formerly Invitae), Labcorp
Classification: Likely pathogenic for Distal myopathy with posterior leg and anterior hand involvement; Myofibrillar myopathy 5; Hypertrophic cardiomyopathy 26. Last evaluated: 2023-09-27. Review status: criteria provided, single submitter. Criteria: Invitae Variant Classification Sherloc (09022015). Collection method: clinical testing. Allele origin: germline.
Comment: In summary, the currently available evidence indicates that the variant is pathogenic, but additional data are needed to prove that conclusively. Therefore, this variant has been classified as Likely Pathogenic. Algorithms developed to predict the effect of sequence changes on RNA splicing suggest that this variant may disrupt the consensus splice site. This variant has not been reported in the literature in individuals affected with FLNC-related conditions. This variant is not present in population databases (gnomAD no frequency). This sequence change affects a donor splice site in intron 41 of the FLNC gene. It is expected to disrupt RNA splicing. Variants that disrupt the donor or acceptor splice site typically lead to a loss of protein function (PMID: 16199547), and loss-of-function variants in FLNC are known to be pathogenic (PMID: 27908349).

Literature cited by the submitters: PubMed 16199547; PubMed 27908349.